The following is an entry in ClinVar:

ClinVar aggregate classification (germline): Likely benign (0 of 4 stars; one submission).

Conditions:
FOXE3-related disorder. Also called: FOXE3-related condition.

Submission:

PreventionGenetics, part of Exact Sciences
Classification: Likely benign for FOXE3-related condition. Last evaluated: 2024-07-09. Review status: no assertion criteria provided. Collection method: clinical testing. Allele origin: germline.
Comment: This variant is classified as likely benign based on ACMG/AMP sequence variant interpretation guidelines (Richards et al. 2015 PMID: 25741868, with internal and published modifications).

NM_012186.3(FOXE3):c.96C>G (p.Leu32=)

Genes: FOXE3 (forkhead box E3; plus strand), LINC01389 (long intergenic non-protein coding RNA 1389; minus strand). Cytogenetic location: 1p33.
Variant type: single nucleotide variant.
Coding change: c.96C>G on transcript NM_012186.3 (MANE Select); coding-DNA position 96, C replaced by G.
Protein change: p.Leu32=; no amino-acid change (leucine 32 retained).
Molecular consequence: synonymous variant.
Genome position (GRCh38, 1-based): chr1:47,416,411, C>G. VCF-style: chr1-47416411-C-G. GRCh37 (hg19) VCF-style: chr1-47882083-C-G.
Identifiers: ClinVar variation 3351911 (VCV003351911.1).
Genomic context (GRCh38, chr1:47,416,411, plus strand): 5'-GTTCTCTGGCTTCCCTGCCCTGCCAGCGGTCGCGCCGTCGGGGCCGCCGCCGTCGCCGCT[C>G]GCAGGAGCCGAGCCAGGGCGGGAGCCAGAGGAGGCGGCGGCTGGCCGCGGAGAGGCGGCC-3'
Protein context (NP_036318.1, residues 22-42): VAPSGPPPSP[Leu32=]AGAEPGREPE